The following is an entry in ClinVar:

ClinVar aggregate classification (germline): Uncertain significance (1 of 4 stars; one submission).

Conditions:
Distal myopathy with posterior leg and anterior hand involvement. Also called: WILLIAMS DISTAL MYOPATHY. Identifiers: Orphanet 63273, MedGen C3279722, MONDO:0013550, OMIM 614065.
Myofibrillar myopathy 5. Also called: Filaminopathy (type); FILAMINOPATHY, AUTOSOMAL DOMINANT. Identifiers: Orphanet 171445, MedGen C1836050, MONDO:0012289, OMIM 609524.
Hypertrophic cardiomyopathy 26. Also called: Cardiomyopathy, familial hypertrophic, 26. Identifiers: Orphanet 75249, MedGen C4310749, MONDO:0014883, OMIM 617047.

Submission:

Labcorp Genetics (formerly Invitae), Labcorp
Classification: Uncertain significance for Distal myopathy with posterior leg and anterior hand involvement; Myofibrillar myopathy 5; Hypertrophic cardiomyopathy 26. Last evaluated: 2022-02-21. Review status: criteria provided, single submitter. Criteria: Invitae Variant Classification Sherloc (09022015). Collection method: clinical testing. Allele origin: germline.
Comment: Algorithms developed to predict the effect of missense changes on protein structure and function are either unavailable or do not agree on the potential impact of this missense change (SIFT: "Deleterious"; PolyPhen-2: "Probably Damaging"; Align-GVGD: "Class C0"). This variant has not been reported in the literature in individuals affected with FLNC-related conditions. This variant is not present in population databases (gnomAD no frequency). This sequence change replaces serine, which is neutral and polar, with alanine, which is neutral and non-polar, at codon 2036 of the FLNC protein (p.Ser2036Ala). In summary, the available evidence is currently insufficient to determine the role of this variant in disease. Therefore, it has been classified as a Variant of Uncertain Significance.

NM_001458.5(FLNC):c.6106T>G (p.Ser2036Ala)

Genes: FLNC-AS1 (FLNC antisense RNA 1; minus strand), FLNC (filamin C; plus strand). Cytogenetic location: 7q32.1.
Variant type: single nucleotide variant.
Coding change: c.6106T>G on transcript NM_001458.5 (MANE Select); coding-DNA position 6106, T replaced by G.
Protein change: p.Ser2036Ala; replaces serine 2036 with alanine.
Molecular consequence: missense variant.
Genome position (GRCh38, 1-based): chr7:128,852,929, T>G. VCF-style: chr7-128852929-T-G. GRCh37 (hg19) VCF-style: chr7-128492983-T-G.
Other names: c.6007T>G, p.Ser2003Ala (NM_001127487.2); short protein forms S2036A, S2003A.
Identifiers: ClinVar variation 2100994 (VCV002100994.4), dbSNP rs2536660334, ClinGen allele CA369211248.